The following is an entry in ClinVar:

ClinVar aggregate classification (germline): Likely pathogenic (1 of 4 stars; one submission).

Conditions:
Glycogen storage disease, type II (IOPD). Also called: CARDIOMEGALIA GLYCOGENICA DIFFUSA; Glycogen storage disease type 2; Acid maltase deficiency disease; Aglucosidase alfa; Deficiency of alpha-glucosidase; Deficiency of lysosomal alpha-glucosidase. Identifiers: Orphanet 365, MedGen C0017921, MONDO:0009290, OMIM 232300.

Submission:

Labcorp Genetics (formerly Invitae), Labcorp
Classification: Likely pathogenic for Glycogen storage disease, type II. Last evaluated: 2024-08-06. Review status: criteria provided, single submitter. Criteria: Invitae Variant Classification Sherloc (09022015). Collection method: clinical testing. Allele origin: germline.
Comment: This sequence change replaces glutamic acid, which is acidic and polar, with aspartic acid, which is acidic and polar, at codon 521 of the GAA protein (p.Glu521Asp). This variant is not present in population databases (gnomAD no frequency). This variant has not been reported in the literature in individuals affected with GAA-related conditions. Advanced modeling of protein sequence and biophysical properties (such as structural, functional, and spatial information, amino acid conservation, physicochemical variation, residue mobility, and thermodynamic stability) performed at Invitae indicates that this missense variant is expected to disrupt GAA protein function with a positive predictive value of 95%. Experimental studies have shown that this missense change affects GAA function (PMID: 1898413). This variant disrupts the p.Glu521 amino acid residue in GAA. Other variant(s) that disrupt this residue have been determined to be pathogenic (PMID: 1898413, 17723315). This suggests that this residue is clinically significant, and that variants that disrupt this residue are likely to be disease-causing. In summary, the currently available evidence indicates that the variant is pathogenic, but additional data are needed to prove that conclusively. Therefore, this variant has been classified as Likely Pathogenic.

Literature cited by the submitters: PubMed 1898413; PubMed 17723315.

NM_000152.5(GAA):c.1563G>T (p.Glu521Asp)

Gene: GAA (alpha glucosidase; plus strand). Cytogenetic location: 17q25.3.
Variant type: single nucleotide variant.
Coding change: c.1563G>T on transcript NM_000152.5 (MANE Select); coding-DNA position 1563, G replaced by T.
Protein change: p.Glu521Asp; replaces glutamic acid 521 with aspartic acid.
Molecular consequence: missense variant.
Genome position (GRCh38, 1-based): chr17:80,110,952, G>T. VCF-style: chr17-80110952-G-T. GRCh37 (hg19) VCF-style: chr17-78084751-G-T.
Other names: c.1563G>T, p.Glu521Asp (NM_001079803.3, NM_001079804.3, NM_001406741.1 and 1 more transcripts); short protein forms E521D.
Identifiers: ClinVar variation 3634756 (VCV003634756.2).
Genomic context (GRCh38, chr17:80,110,952, plus strand): 5'-CCCTCCTCACTCTGGGCAGAGTCACCTACCAGCAGCGCTTCTCTTGCAGGACATGAACGA[G>T]CCTTCCAACTTCATCAGGGGCTCTGAGGACGGCTGCCCCAACAATGAGCTGGAGAACCCA-3'
Protein context (NP_000143.2, residues 511-531): PFDGMWIDMN[Glu521Asp]PSNFIRGSED